The following is an entry in ClinVar:

ClinVar aggregate classification (germline): Pathogenic (1 of 4 stars; one submission).

Conditions:
Acute infantile liver failure due to synthesis defect of mtDNA-encoded proteins. Also called: Liver failure acute infantile; LIVER FAILURE, INFANTILE, TRANSIENT; TRMU Deficiency. Identifiers: Orphanet 217371, MedGen C3278664, MONDO:0013111, OMIM 613070.

Submission:

Myriad Genetics, Inc.
Classification: Pathogenic for Acute infantile liver failure due to synthesis defect of mtDNA-encoded proteins. Last evaluated: 2026-02-26. Review status: criteria provided, single submitter. Criteria: Myriad Autosomal Dominant, Autosomal Recessive and X-Linked Classification Criteria (2023). Collection method: clinical testing. Allele origin: unknown.
Comment: NM_018006.4(TRMU):c.322delA(S108Vfs*54) is expected to be pathogenic in the context of acute liver failure, TRMU-related. This variant is predicted to lead to an abnormal or absent protein product due to the creation of a premature termination codon in TRMU, a gene where loss-of-function variants are known to be pathogenic. Please note: this variant was assessed in the context of healthy population screening.

NM_018006.5(TRMU):c.322del (p.Ser108fs)

Gene: TRMU (tRNA mitochondrial 2-thiouridylase; plus strand). Cytogenetic location: 22q13.31.
Variant type: Deletion.
Coding change: c.322del on transcript NM_018006.5 (MANE Select); coding-DNA position 322, one base deleted (A; older notation c.322delA).
Protein change: p.Ser108fs; shifts the reading frame from serine 108.
Molecular consequence: frameshift variant. On other transcripts: non-coding transcript variant (1), intron variant (3).
Genome position (GRCh38, 1-based): chr22:46,343,335, A deleted. VCF-style (leftmost placement, unchanged base first): chr22-46343334-TA-T. GRCh37 (hg19) VCF-style: chr22-46739231-TA-T.
Other names: c.322del, p.Ser108fs (NM_001282785.2); c.14-3087del (NM_001282782.2); c.-6-3087del (NM_001282783.2, NM_001282784.2); short protein forms S108fs.
Identifiers: ClinVar variation 5015613 (VCV005015613.1).
Genomic context (GRCh38, chr22:46,343,334, plus strand): 5'-TGAGTATGAAAAAGGAAGGACTCCCAATCCTGACATAGTTTGCAACAAGCACATCAAATT[TA>T]GTTGCTTTTTTCATTATGCTGTGGATAATCTTGGTAAGTAATTTGGGTTTAAAACATTTT-3'